The following is an entry in ClinVar:

NM_001844.5(COL2A1):c.2428G>T (p.Gly810Cys)

Gene: COL2A1 (collagen type II alpha 1 chain; minus strand). Cytogenetic location: 12q13.11.
Variant type: single nucleotide variant.
Coding change: c.2428G>T on transcript NM_001844.5 (MANE Select); coding-DNA position 2428, G replaced by T.
Protein change: p.Gly810Cys; replaces glycine 810 with cysteine.
Molecular consequence: missense variant.
Genome position (GRCh38, 1-based): chr12:47,981,378, C>A on the plus strand (G>T on the coding strand, the complement: COL2A1 is on the minus strand). VCF-style: chr12-47981378-C-A. GRCh37 (hg19) VCF-style: chr12-48375161-C-A.
Other names: c.2221G>T, p.Gly741Cys (NM_033150.3); short protein forms G810C, G741C.
Identifiers: ClinVar variation 197001 (VCV000197001.13), dbSNP rs794727596, ClinGen allele CA302964.
Genomic context (GRCh38, chr12:47,981,378, plus strand): 5'-CAGGCTCAGAGGGGCAGACACTCACCGGAGCGCCACGAGCACCAGCACTTCCTGCAGGAC[C>A]AGGAGGTCCAACTTCTCCCTGAGGGTGGGGAAGGGAGGAAGAGCTGGGGTAAGAAGGTGG-3'
Protein context (NP_001835.3, residues 800-820): NGEKGEVGPP[Gly810Cys]PAGSAGARGA

ClinVar aggregate classification (germline): Likely pathogenic. Review status: criteria provided, multiple submitters, no conflicts (2 of 4 stars). 2 submissions from 2 submitters: Likely pathogenic (2). Last evaluated 2020-11-12.

Submissions (2):

Labcorp Genetics (formerly Invitae), Labcorp
Classification: Likely pathogenic. Last evaluated: 2020-11-12. Review status: criteria provided, single submitter. Criteria: Invitae Variant Classification Sherloc (09022015). Collection method: clinical testing. Allele origin: germline.
Comment: This sequence change replaces glycine with cysteine at codon 810 of the COL2A1 protein (p.Gly810Cys). The glycine residue is highly conserved and there is a large physicochemical difference between glycine and cysteine. This variant is not present in population databases (ExAC no frequency). This variant has not been reported in the literature in individuals with COL2A1-related conditions. ClinVar contains an entry for this variant (Variation ID: 197001). Advanced modeling of protein sequence and biophysical properties (such as structural, functional, and spatial information, amino acid conservation, physicochemical variation, residue mobility, and thermodynamic stability) performed at Invitae indicates that this missense variant is expected to disrupt COL2A1 protein function. This variant disrupts the triple helix domain of COL2A1. Glycine residues within the Gly-Xaa-Yaa repeats of the triple helix domain are required for the structure and stability of fibrillar collagens (PMID: 7695699, 8218237, 19344236). In COL2A1, variants affecting these glycine residues are significantly enriched in individuals with disease (PMID: 9016532, 17078022) compared to the general population (ExAC). In summary, the currently available evidence indicates that the variant is pathogenic, but additional data are needed to prove that conclusively. Therefore, this variant has been classified as Likely Pathogenic.

Eurofins Ntd Llc (ga)
Classification: Likely pathogenic. Last evaluated: 2015-02-23. Review status: criteria provided, single submitter. Criteria: EGL Classification Definitions 2015. Collection method: clinical testing. Allele origin: germline. Observed: 1 variant allele, 1 heterozygote.

Literature cited by the submitters: PubMed 7695699 (cited by Labcorp Genetics (formerly Invitae), Labcorp); PubMed 8218237 (cited by Labcorp Genetics (formerly Invitae), Labcorp); PubMed 19344236 (cited by Labcorp Genetics (formerly Invitae), Labcorp); PubMed 9016532 (cited by Labcorp Genetics (formerly Invitae), Labcorp); PubMed 17078022 (cited by Labcorp Genetics (formerly Invitae), Labcorp).